The following is an entry in ClinVar:

NM_003590.5(CUL3):c.387G>T (p.Val129=)

Gene: CUL3 (cullin 3; minus strand). Cytogenetic location: 2q36.2.
Variant type: single nucleotide variant.
Coding change: c.387G>T on transcript NM_003590.5 (MANE Select); coding-DNA position 387, G replaced by T.
Protein change: p.Val129=; no amino-acid change (valine 129 retained).
Molecular consequence: synonymous variant.
Genome position (GRCh38, 1-based): chr2:224,514,764, C>A on the plus strand (G>T on the coding strand, the complement: CUL3 is on the minus strand). VCF-style: chr2-224514764-C-A. GRCh37 (hg19) VCF-style: chr2-225379481-C-A.
Other names: c.189G>T, p.Val63= (NM_001257197.2); c.405G>T, p.Val135= (NM_001257198.2).
Identifiers: ClinVar variation 2651948 (VCV002651948.24), dbSNP rs2470004222, ClinGen allele CA431498195.

ClinVar aggregate classification (germline): Likely benign (1 of 4 stars; one submission).

Submission:

CeGaT Center for Human Genetics Tuebingen
Classification: Likely benign. Last evaluated: 2023-06-01. Review status: criteria provided, single submitter. Criteria: CeGaT Center For Human Genetics Tuebingen Variant Classification Criteria Version 2. Collection method: clinical testing. Allele origin: germline. Affected: yes. Observed: 1 variant allele.
Comment: CUL3: PM2:Supporting, BP4, BP7